The following is an entry in ClinVar:

NM_181776.3(SLC36A2):c.1078G>A (p.Val360Ile)

Gene: SLC36A2 (solute carrier family 36 member 2; minus strand). Cytogenetic location: 5q33.1.
Variant type: single nucleotide variant.
Coding change: c.1078G>A on transcript NM_181776.3 (MANE Select); coding-DNA position 1078, G replaced by A.
Protein change: p.Val360Ile; replaces valine 360 with isoleucine.
Molecular consequence: missense variant.
Genome position (GRCh38, 1-based): chr5:151,322,148, C>T on the plus strand (G>A on the coding strand, the complement: SLC36A2 is on the minus strand). VCF-style: chr5-151322148-C-T. GRCh37 (hg19) VCF-style: chr5-150701709-C-T.
Other names: short protein forms V360I.
Identifiers: ClinVar variation 2717752 (VCV002717752.3), dbSNP rs202021417, ClinGen allele CA3518637.
Genomic context (GRCh38, chr5:151,322,148, plus strand): 5'-GCAGTGCCCAGCGTGTTGACACCCGGGAGATGGCAAAGGGGATGATGATTTCTGCAGGGA[C>T]GTAGAACTGCAGGGCATAGGTGCACAGGATGCCGGCAATGTAGAGAAGCTTGACAGACTG-3'
Protein context (NP_861441.2, residues 350-370): ILCTYALQFY[Val360Ile]PAEIIIPFAI

ClinVar aggregate classification (germline): Uncertain significance (1 of 4 stars; one submission).

Allele frequency attached by ClinVar (database versions not stated): gnomAD exomes 0.00004; TOPMed 0.00004; ESP Exome Variant Server 0.00008; gnomAD 0.00010; ExAC 0.00013; 1000 Genomes Project 0.00100; 1000 Genomes Project 30x 0.00109.

Submission:

Labcorp Genetics (formerly Invitae), Labcorp
Classification: Uncertain significance. Last evaluated: 2026-01-12. Review status: criteria provided, single submitter. Criteria: Invitae Variant Classification Sherloc (09022015). Collection method: clinical testing. Allele origin: germline.
Comment: This sequence change replaces valine, which is neutral and non-polar, with isoleucine, which is neutral and non-polar, at codon 360 of the SLC36A2 protein (p.Val360Ile). This variant is present in population databases (rs202021417, gnomAD 0.1%), and has an allele count higher than expected for a pathogenic variant. This variant has not been reported in the literature in individuals affected with SLC36A2-related conditions. ClinVar contains an entry for this variant (Variation ID: 2717752). Invitae Evidence Modeling of protein sequence and biophysical properties (such as structural, functional, and spatial information, amino acid conservation, physicochemical variation, residue mobility, and thermodynamic stability) indicates that this missense variant is not expected to disrupt SLC36A2 protein function with a negative predictive value of 80%. In summary, the available evidence is currently insufficient to determine the role of this variant in disease. Therefore, it has been classified as a Variant of Uncertain Significance.